The following is an entry in ClinVar:

NM_016239.4(MYO15A):c.2112G>C (p.Trp704Cys)

Gene: MYO15A (myosin XVA; plus strand). Cytogenetic location: 17p11.2.
Variant type: single nucleotide variant.
Coding change: c.2112G>C on transcript NM_016239.4 (MANE Select); coding-DNA position 2112, G replaced by C.
Protein change: p.Trp704Cys; replaces tryptophan 704 with cysteine.
Molecular consequence: missense variant.
Genome position (GRCh38, 1-based): chr17:18,120,912, G>C. VCF-style: chr17-18120912-G-C. GRCh37 (hg19) VCF-style: chr17-18024226-G-C.
Other names: c.2112G>C (NM_016239.3); short protein forms W704C.
Identifiers: ClinVar variation 1446012 (VCV001446012.9), dbSNP rs1397353590, ClinGen allele CA398580936.

ClinVar aggregate classification (germline): Uncertain significance. Review status: criteria provided, multiple submitters, no conflicts (2 of 4 stars). 3 submissions from 3 submitters: Uncertain significance (3). Last evaluated 2025-12-16.

Conditions:
Inborn genetic diseases. Identifiers: MedGen C0950123, MeSH D030342.

Allele frequency attached by ClinVar (database versions not stated): gnomAD exomes 0.00001 and 0.00003; TOPMed 0.00002.
gnomAD v4.1: 40 of 1,443,814 alleles (0.0028%); highest among the groups gnomAD compares: Non-Finnish European, 0.0035%; no homozygotes.

Submissions (3):

Ambry Genetics
Classification: Uncertain significance for Inborn genetic diseases. Last evaluated: 2025-12-16. Review status: criteria provided, single submitter. Criteria: Ambry Variant Classification Scheme 2023. Collection method: clinical testing. Allele origin: germline.

Labcorp Genetics (formerly Invitae), Labcorp
Classification: Uncertain significance. Last evaluated: 2025-09-02. Review status: criteria provided, single submitter. Criteria: Invitae Variant Classification Sherloc (09022015). Collection method: clinical testing. Allele origin: germline.
Comment: This sequence change replaces tryptophan, which is neutral and slightly polar, with cysteine, which is neutral and slightly polar, at codon 704 of the MYO15A protein (p.Trp704Cys). The frequency data for this variant in the population databases is considered unreliable, as metrics indicate poor data quality at this position in the gnomAD database. This variant has not been reported in the literature in individuals affected with MYO15A-related conditions. ClinVar contains an entry for this variant (Variation ID: 1446012). Invitae Evidence Modeling of protein sequence and biophysical properties (such as structural, functional, and spatial information, amino acid conservation, physicochemical variation, residue mobility, and thermodynamic stability) indicates that this missense variant is not expected to disrupt MYO15A protein function with a negative predictive value of 95%. In summary, the available evidence is currently insufficient to determine the role of this variant in disease. Therefore, it has been classified as a Variant of Uncertain Significance.

GeneDx
Classification: Uncertain significance. Last evaluated: 2024-03-04. Review status: criteria provided, single submitter. Criteria: GeneDx Variant Classification Process June 2021. Collection method: clinical testing. Allele origin: germline. Affected: yes.
Comment: Not observed at significant frequency in large population cohorts (gnomAD); In silico analysis supports that this missense variant does not alter protein structure/function; Has not been previously published as pathogenic or benign to our knowledge